The following is an entry in ClinVar:

NM_001943.5(DSG2):c.217A>G (p.Ile73Val)

Gene: DSG2 (desmoglein 2; plus strand). Cytogenetic location: 18q12.1.
Variant type: single nucleotide variant.
Coding change: c.217A>G on transcript NM_001943.5 (MANE Select); coding-DNA position 217, A replaced by G.
Protein change: p.Ile73Val; replaces isoleucine 73 with valine.
Molecular consequence: missense variant.
Genome position (GRCh38, 1-based): chr18:31,520,803, A>G. VCF-style: chr18-31520803-A-G. GRCh37 (hg19) VCF-style: chr18-29100766-A-G.
Other names: short protein forms I73V.
Identifiers: ClinVar variation 4710453 (VCV004710453.1).

ClinVar aggregate classification (germline): Uncertain significance (1 of 4 stars; one submission).

Conditions:
Arrhythmogenic right ventricular dysplasia 10. Also called: Arrhythmogenic Right Ventricular Dysplasia/Cardiomyopathy10; ARRHYTHMOGENIC RIGHT VENTRICULAR DYSPLASIA, FAMILIAL, 10; Arrhythmogenic right ventricular dysplasia/cardiomyopathy, type 10. Identifiers: MedGen C1857777, MONDO:0012434, OMIM 610193.

Submission:

Labcorp Genetics (formerly Invitae), Labcorp
Classification: Uncertain significance for Arrhythmogenic right ventricular dysplasia 10. Last evaluated: 2026-01-04. Review status: criteria provided, single submitter. Criteria: Invitae Variant Classification Sherloc (09022015). Collection method: clinical testing. Allele origin: germline.
Comment: This sequence change replaces isoleucine, which is neutral and non-polar, with valine, which is neutral and non-polar, at codon 73 of the DSG2 protein (p.Ile73Val). This variant is not present in population databases (gnomAD no frequency). This missense change has been observed in individual(s) with clinical features of DSG2-related conditions (PMID: 20031616). Invitae Evidence Modeling of protein sequence and biophysical properties (such as structural, functional, and spatial information, amino acid conservation, physicochemical variation, residue mobility, and thermodynamic stability) indicates that this missense variant is not expected to disrupt DSG2 protein function with a negative predictive value of 95%. In summary, the available evidence is currently insufficient to determine the role of this variant in disease. Therefore, it has been classified as a Variant of Uncertain Significance.

Literature cited by the submitters: PubMed 20031616.